The following is an entry in ClinVar:

ClinVar aggregate classification (germline): Likely benign (1 of 4 stars; one submission).

Conditions:
ALPK3-related disorder. Also called: ALPK3-related condition.

Submission:

PreventionGenetics, part of Exact Sciences
Classification: Likely benign for ALPK3-related condition. Last evaluated: 2026-01-12. Review status: criteria provided, single submitter. Criteria: ACMG Guidelines, 2015. Collection method: clinical testing. Allele origin: germline.
Comment: This variant is classified as likely benign based on ACMG/AMP sequence variant interpretation guidelines (Richards et al. 2015 PMID: 25741868, with internal and published modifications).

NM_020778.4(ALPK3):c.279C>T

Gene: ALPK3 (alpha kinase 3; plus strand). Cytogenetic location: 15q25.3.
Variant type: single nucleotide variant.
Coding change: c.279C>T on transcript NM_020778.4; coding-DNA position 279, C replaced by T.
Genome position (GRCh38, 1-based): chr15:84,817,125, C>T. VCF-style: chr15-84817125-C-T. GRCh37 (hg19) VCF-style: chr15-85360356-C-T.
Identifiers: ClinVar variation 4985903 (VCV004985903.1).